The following is an entry in ClinVar:

NM_001164375.3(C10orf105):c.78C>T (p.Pro26=)

Genes: C10orf105 (chromosome 10 open reading frame 105; minus strand), CDH23 (cadherin related 23; plus strand). Cytogenetic location: 10q22.1.
Variant type: single nucleotide variant.
Coding change: c.78C>T on transcript NM_001164375.3 (MANE Select); coding-DNA position 78, C replaced by T.
Protein change: p.Pro26=; no amino-acid change (proline 26 retained).
Molecular consequence: synonymous variant. On other transcripts: intron variant (2).
Genome position (GRCh38, 1-based): chr10:71,716,260, G>A on the plus strand (C>T on the coding strand, the complement: C10orf105 is on the minus strand). VCF-style: chr10-71716260-G-A. GRCh37 (hg19) VCF-style: chr10-73476017-G-A.
Other names: c.78C>T, p.Pro26= (NM_001168390.2); c.3369+3447G>A (NM_022124.6, NM_001171930.2).
Identifiers: ClinVar variation 2640572 (VCV002640572.24), dbSNP rs749839796, ClinGen allele CA5544683.

ClinVar aggregate classification (germline): Likely benign (1 of 4 stars; one submission).

Allele frequency attached by ClinVar (database versions not stated): TOPMed 0.00003; gnomAD 0.00004; gnomAD exomes 0.00004; ExAC 0.00042.
gnomAD v4.1: 70 of 1,542,808 alleles (0.0045%); highest among the groups gnomAD compares: South Asian, 0.055%; no homozygotes.

Submission:

CeGaT Center for Human Genetics Tuebingen
Classification: Likely benign. Last evaluated: 2022-10-01. Review status: criteria provided, single submitter. Criteria: CeGaT Center For Human Genetics Tuebingen Variant Classification Criteria Version 2. Collection method: clinical testing. Allele origin: germline. Affected: yes. Observed: 1 variant allele.
Comment: C10orf105: BP4, BP7